The following is an entry in ClinVar:

ClinVar aggregate classification (germline): Uncertain significance (1 of 4 stars; one submission).

Conditions:
Hereditary cancer-predisposing syndrome. Also called: Neoplastic Syndromes, Hereditary; Tumor predisposition; Hereditary Cancer Syndrome; Hereditary neoplastic syndrome. Identifiers: Orphanet 140162, MedGen C0027672, MeSH D009386, MONDO:0015356.

Submission:

Ambry Genetics
Classification: Uncertain significance for Hereditary cancer-predisposing syndrome. Last evaluated: 2021-12-17. Review status: criteria provided, single submitter. Criteria: Ambry Variant Classification Scheme 2023. Collection method: clinical testing. Allele origin: germline.
Comment: The p.T279P variant (also known as c.835A>C), located in coding exon 7 of the CDH1 gene, results from an A to C substitution at nucleotide position 835. The threonine at codon 279 is replaced by proline, an amino acid with highly similar properties. This amino acid position is well conserved in available vertebrate species. In addition, this alteration is predicted to be deleterious by in silico analysis. Since supporting evidence is limited at this time, the clinical significance of this alteration remains unclear.

NM_004360.5(CDH1):c.835A>C (p.Thr279Pro)

Gene: CDH1 (cadherin 1; plus strand). Cytogenetic location: 16q22.1.
Variant type: single nucleotide variant.
Coding change: c.835A>C on transcript NM_004360.5 (MANE Select); coding-DNA position 835, A replaced by C.
Protein change: p.Thr279Pro; replaces threonine 279 with proline.
Molecular consequence: missense variant. On other transcripts: 5 prime UTR variant (2).
Genome position (GRCh38, 1-based): chr16:68,811,686, A>C. VCF-style: chr16-68811686-A-C. GRCh37 (hg19) VCF-style: chr16-68845589-A-C.
Other names: c.835A>C, p.Thr279Pro (NM_001317184.2); c.-781A>C (NM_001317185.2); c.-985A>C (NM_001317186.2); short protein forms T279P.
Identifiers: ClinVar variation 1763064 (VCV001763064.2), dbSNP rs1444822940, ClinGen allele CA396459541.